The following is an entry in ClinVar:

NM_000517.6(HBA2):c.148A>C (p.Ser50Arg)

Genes: HBA2 (hemoglobin subunit alpha 2; plus strand), LOC106804612 (hemoglobin subunit alpha 2 recombination region; plus strand). Cytogenetic location: 16p13.3.
Variant type: single nucleotide variant.
Coding change: c.148A>C on transcript NM_000517.6 (MANE Select); coding-DNA position 148, A replaced by C.
Protein change: p.Ser50Arg; replaces serine 50 with arginine.
Molecular consequence: missense variant.
Genome position (GRCh38, 1-based): chr16:173,177, A>C. VCF-style: chr16-173177-A-C. GRCh37 (hg19) VCF-style: chr16-223176-A-C.
Other names: short protein forms S50R.
Identifiers: ClinVar variation 810994 (VCV000810994.9), dbSNP rs1596569718, ClinGen allele CA393993383.

ClinVar aggregate classification (germline): Likely benign. Review status: criteria provided, multiple submitters, no conflicts (2 of 4 stars). 2 submissions from 2 submitters: Likely benign (2). Last evaluated 2025-05-09.

Submissions (2):

Women's Health and Genetics/Laboratory Corporation of America, LabCorp
Classification: Likely benign. Last evaluated: 2025-05-09. Review status: criteria provided, single submitter. Criteria: LabCorp Variant Classification Summary - May 2015. Collection method: clinical testing. Allele origin: germline.
Comment: Variant summary: HBA2 c.148A>C (p.Ser50Arg), also known as Hb Savaria, results in a non-conservative amino acid change in the encoded protein sequence. Algorithms developed to predict the effect of missense changes on protein structure and function all suggest that this variant is likely to be disruptive. Consensus agreement among computation tools predict no significant impact on normal splicing. However, these predictions have yet to be confirmed by functional studies. The frequency data for this variant in gnomAD is considered unreliable, as metrics indicate poor data quality at this position. The variant, c.148A>C, has been reported in a clinically silent carrier, who had normal hematological parameters (Tran Houangkeo_2016). In addition, a different nucleotide change resulting in the same missense, i.e. c.150C>G, has also been reported in a carrier with normal hematological parameters (Zhang_2019). Furthermore, the same missense change (Hb Savaria, Ser50Arg) resulting from different nucleotide changes (i.e. c.150C>A/G), has been reported in the IthaNet and HbVar databases in heterozygous carriers, with normal clinical- and hematological presentation (IthaID 548, HbVar ID 70). To our knowledge, no experimental evidence demonstrating an impact on protein function has been reported. The following publications have been ascertained in the context of this evaluation (PMID: 27221333, 30809867). ClinVar contains an entry for this variant (Variation ID: 810994). Based on the evidence outlined above, the variant was classified as likely benign.

ARUP Laboratories, Molecular Genetics and Genomics, ARUP Laboratories
Classification: Likely benign. Last evaluated: 2019-01-10. Review status: criteria provided, single submitter. Criteria: ARUP Molecular Germline Variant Investigation Process. Collection method: clinical testing. Allele origin: germline.
Comment: The HBA2 c.148A>C; Ser49Arg variant is reported in the literature in the heterozygous state in at least one individual with normal red blood cell indices (Tran Houangkeo 2016). Additionally, another variant at this codon, Hb Savaria (c.150C>A; Ser49Arg), has been reported in individuals without clinical symptoms, with the variant protein exhibiting normal stability and oxygen affinity (see link to HbVar database and references therein). The c.148A>C; Ser49Arg variant is absent from general population databases (Exome Variant Server, Genome Aggregation Database), but is in a low coverage region in these databases. The serine at codon 49 is moderately conserved, and computational analyses (SIFT, PolyPhen-2) predict that this variant is deleterious, although these are low confidence predictions. Based on available information, this variant is considered to be likely benign. References: Link to HbVar database for Hb Savaria: Tran Houangkeo TH et al. Hb Savaria (alpha49(CE7)Ser?Arg; HBA2: c.150C?>?A): A New Case and Complete Description. Hemoglobin. 2016 Aug;40(4):267-9.

Literature cited by the submitters: PubMed 30809867 (cited by Women's Health and Genetics/Laboratory Corporation of America, LabCorp); PubMed 27221333 (cited by Women's Health and Genetics/Laboratory Corporation of America, LabCorp).